The following is an entry in ClinVar:

ClinVar aggregate classification (germline): Uncertain significance. Review status: criteria provided, multiple submitters, no conflicts (2 of 4 stars). 3 submissions from 3 submitters: Uncertain significance (3). Last evaluated 2025-04-02.

Conditions:
Familial thoracic aortic aneurysm and aortic dissection (TAAD). Also called: Thoracic aortic aneurysms and dissections. Identifiers: Orphanet 91387, MedGen C4707243, MONDO:0019625.

Allele frequency attached by ClinVar (database versions not stated): gnomAD exomes below 0.00001.
gnomAD v4.1: 3 of 1,614,210 alleles (0.00019%); highest among the groups gnomAD compares: African/African-American, 0.0027%; no homozygotes.

Submissions (3):

GeneDx
Classification: Uncertain significance. Last evaluated: 2025-04-02. Review status: criteria provided, single submitter. Criteria: GeneDx Variant Classification Process June 2021. Collection method: clinical testing. Allele origin: germline. Affected: yes.
Comment: Not observed at significant frequency in large population cohorts (gnomAD); In silico analysis supports that this missense variant has a deleterious effect on protein structure/function; Has not been previously published as pathogenic or benign to our knowledge

Color Diagnostics, LLC DBA Color Health
Classification: Uncertain significance for Familial thoracic aortic aneurysm and aortic dissection. Last evaluated: 2024-03-07. Review status: criteria provided, single submitter. Criteria: ACMG Guidelines, 2015. Collection method: clinical testing. Allele origin: germline.
Comment: This missense variant replaces glutamic acid with lysine at codon 865 of the MYH11 protein. Computational prediction suggests that this variant may not impact protein structure and function (internally defined REVEL score threshold <= 0.5, PMID: 27666373). To our knowledge, functional studies have not been reported for this variant. This variant has not been reported in individuals affected with MYH11-related disorders in the literature. This variant has been identified in 1/251478 chromosomes in the general population by the Genome Aggregation Database (gnomAD). The available evidence is insufficient to determine the role of this variant in disease conclusively. Therefore, this variant is classified as a Variant of Uncertain Significance.

All of Us Research Program, National Institutes of Health
Classification: Uncertain significance for Familial thoracic aortic aneurysm and aortic dissection. Last evaluated: 2023-06-26. Review status: criteria provided, single submitter. Criteria: ACMG Guidelines, 2015. Collection method: clinical testing. Allele origin: germline. Inheritance: Autosomal dominant inheritance. Observed: 1 variant allele, 1 heterozygote.
Comment: This missense variant replaces glutamic acid with lysine at codon 865 of the MYH11 protein. Computational prediction suggests that this variant may not impact protein structure and function (internally defined REVEL score threshold <= 0.5, PMID: 27666373). To our knowledge, functional studies have not been reported for this variant. This variant has not been reported in individuals affected with cardiovascular disorders in the literature. This variant has been identified in 1/251478 chromosomes in the general population by the Genome Aggregation Database (gnomAD). The available evidence is insufficient to determine the role of this variant in disease conclusively. Therefore, this variant is classified as a Variant of Uncertain Significance.

This study involves interpretation of variants in research participants for the purpose of population health screening. Participant phenotype was not available at the time of variant classification. Additional details can be found in publication PMID: 35346344, PMCID: PMC8962531

NM_002474.3(MYH11):c.2572G>A (p.Glu858Lys)

Gene: MYH11 (myosin heavy chain 11; minus strand). Cytogenetic location: 16p13.11.
Variant type: single nucleotide variant.
Coding change: c.2572G>A on transcript NM_002474.3 (MANE Select); coding-DNA position 2572, G replaced by A.
Protein change: p.Glu858Lys; replaces glutamic acid 858 with lysine.
Molecular consequence: missense variant.
Genome position (GRCh38, 1-based): chr16:15,741,840, C>T on the plus strand (G>A on the coding strand, the complement: MYH11 is on the minus strand). VCF-style: chr16-15741840-C-T. GRCh37 (hg19) VCF-style: chr16-15835697-C-T.
Other names: c.2593G>A, p.Glu865Lys (NM_001040113.2, NM_001040114.2); c.2572G>A, p.Glu858Lys (NM_022844.3); c.2572G>A (NM_002474.2); short protein forms E858K, E865K.
Identifiers: ClinVar variation 1332521 (VCV001332521.6), dbSNP rs1567718928, ClinGen allele CA394866416.